The following is an entry in ClinVar:

ClinVar aggregate classification (germline): Pathogenic (1 of 4 stars; one submission).

Conditions:
ATM-related disorder. Also called: ATM-related disorders; ATM-related condition.

Submission:

PreventionGenetics, part of Exact Sciences
Classification: Pathogenic for ATM-related condition. Last evaluated: 2023-05-04. Review status: criteria provided, single submitter. Criteria: ACMG Guidelines, 2015. Collection method: clinical testing. Allele origin: germline.
Comment: The ATM c.4410T>G variant is predicted to result in premature protein termination (p.Tyr1470*). To our knowledge, this variant has not been reported in the literature or in a large population database, indicating this variant is rare. Nonsense variants in ATM are expected to be pathogenic. This variant is interpreted as pathogenic.

NM_000051.4(ATM):c.4410T>G (p.Tyr1470Ter)

Gene: ATM (ATM serine/threonine kinase; plus strand). Cytogenetic location: 11q22.3.
Variant type: single nucleotide variant.
Coding change: c.4410T>G on transcript NM_000051.4 (MANE Select); coding-DNA position 4410, T replaced by G.
Protein change: p.Tyr1470Ter; replaces tyrosine 1470 with a stop codon.
Molecular consequence: nonsense.
Genome position (GRCh38, 1-based): chr11:108,289,775, T>G. VCF-style: chr11-108289775-T-G. GRCh37 (hg19) VCF-style: chr11-108160502-T-G.
Other names: c.4410T>G, p.Tyr1470Ter (NM_001351834.2); short protein forms Y1470*.
Identifiers: ClinVar variation 2633077 (VCV002633077.1), dbSNP rs1057521912, ClinGen allele CA382532241.